The following is an entry in ClinVar:

NM_001048174.2(MUTYH):c.1399C>T (p.Arg467Cys)

Gene: MUTYH (mutY DNA glycosylase; minus strand). Cytogenetic location: 1p34.1.
Variant type: single nucleotide variant.
Coding change: c.1399C>T on transcript NM_001048174.2 (MANE Select); coding-DNA position 1399, C replaced by T.
Protein change: p.Arg467Cys; replaces arginine 467 with cysteine.
Molecular consequence: missense variant. On other transcripts: non-coding transcript variant (2).
Genome position (GRCh38, 1-based): chr1:45,330,551, G>A on the plus strand (C>T on the coding strand, the complement: MUTYH is on the minus strand). VCF-style: chr1-45330551-G-A. GRCh37 (hg19) VCF-style: chr1-45796223-G-A.
Other names: c.1399C>T, p.Arg467Cys (NM_001048171.2, NM_001048173.2, NM_001293195.2); c.1402C>T, p.Arg468Cys (NM_001048172.2); c.1483C>T, p.Arg495Cys (NM_001128425.2); c.1444C>T, p.Arg482Cys (NM_001293190.2); c.1432C>T, p.Arg478Cys (NM_001293191.2); c.1123C>T, p.Arg375Cys (NM_001293192.2, NM_001293196.2); c.1054C>T, p.Arg352Cys (NM_001350650.2, NM_001350651.2); c.1474C>T, p.Arg492Cys (NM_012222.3); short protein forms R495C, R467C, R468C, R492C, R478C, R352C, R375C, R482C.
Identifiers: ClinVar variation 141339 (VCV000141339.35), dbSNP rs587781668, ClinGen allele CA012915.

ClinVar aggregate classification (germline): Conflicting classifications of pathogenicity. Review status: criteria provided, conflicting classifications (1 of 4 stars). 8 submissions from 8 submitters: Uncertain significance (7); Likely benign (1). Last evaluated 2026-01-28.

Conditions:
Hereditary cancer-predisposing syndrome. Also called: Neoplastic Syndromes, Hereditary; Hereditary Cancer Syndrome; Tumor predisposition; Hereditary neoplastic syndrome. Identifiers: Orphanet 140162, MedGen C0027672, MeSH D009386, MONDO:0015356.
Familial adenomatous polyposis 2. Also called: MUTYH-associated polyposis; MUTYH Polyposis; FAP type 2; Adenomas, multiple colorectal; COLORECTAL ADENOMATOUS POLYPOSIS, AUTOSOMAL RECESSIVE; ADENOMAS, MULTIPLE COLORECTAL, AUTOSOMAL RECESSIVE. Identifiers: Orphanet 220460, Orphanet 247798, MedGen C3272841, MONDO:0012041, OMIM 608456.

Allele frequency attached by ClinVar (database versions not stated): ExAC 0.00006; gnomAD exomes 0.00002 and 0.00004; TOPMed 0.00002; gnomAD 0.00003.
gnomAD v4.1: 33 of 1,608,484 alleles (0.0021%); highest among the groups gnomAD compares: South Asian, 0.011%; 1 homozygote.

Submissions (8):

Labcorp Genetics (formerly Invitae), Labcorp
Classification: Uncertain significance for Familial adenomatous polyposis 2. Last evaluated: 2026-01-28. Review status: criteria provided, single submitter. Criteria: Invitae Variant Classification Sherloc (09022015). Collection method: clinical testing. Allele origin: germline.
Comment: This sequence change replaces arginine, which is basic and polar, with cysteine, which is neutral and slightly polar, at codon 495 of the MUTYH protein (p.Arg495Cys). This variant is present in population databases (rs587781668, gnomAD 0.01%), including at least one homozygous and/or hemizygous individual. This missense change has been observed in individual(s) with prostate cancer (PMID: 34034685). ClinVar contains an entry for this variant (Variation ID: 141339). An algorithm developed to predict the effect of missense changes on protein structure and function (PolyPhen-2) suggests that this variant is likely to be disruptive. In summary, the available evidence is currently insufficient to determine the role of this variant in disease. Therefore, it has been classified as a Variant of Uncertain Significance.

Ambry Genetics
Classification: Likely benign for Hereditary cancer-predisposing syndrome. Last evaluated: 2025-09-09. Review status: criteria provided, single submitter. Criteria: Ambry Variant Classification Scheme 2023. Collection method: clinical testing. Allele origin: germline.

Color Diagnostics, LLC DBA Color Health
Classification: Uncertain significance for Hereditary cancer-predisposing syndrome. Last evaluated: 2025-07-17. Review status: criteria provided, single submitter. Criteria: ACMG Guidelines, 2015. Collection method: clinical testing. Allele origin: germline.
Comment: This missense variant replaces arginine with cysteine at codon 495 of the MUTYH protein. Computational prediction is inconclusive regarding the impact of this variant on protein structure and function. To our knowledge, functional studies have not been reported for this variant. This variant has been reported in an individual affected with pancreatic cancer and prostate cancer (PMID: 34034685). This variant has been identified in 11/271888 chromosomes in the general population by the Genome Aggregation Database (gnomAD). The available evidence is insufficient to determine the role of this variant in disease conclusively. Therefore, this variant is classified as a Variant of Uncertain Significance.

Center for Genomic Medicine, Rigshospitalet, Copenhagen University Hospital
Classification: Uncertain significance. Last evaluated: 2025-03-04. Review status: criteria provided, single submitter. Criteria: ACMG Guidelines, 2015. Collection method: clinical testing. Allele origin: germline.

All of Us Research Program, National Institutes of Health
Classification: Uncertain significance for Familial adenomatous polyposis 2. Last evaluated: 2024-08-06. Review status: criteria provided, single submitter. Criteria: ACMG Guidelines, 2015. Collection method: clinical testing. Allele origin: germline. Inheritance: Autosomal recessive inheritance. Observed: 7 variant alleles, 7 heterozygotes.
Comment: This missense variant replaces arginine with cysteine at codon 495 of the MUTYH protein. Computational prediction is inconclusive regarding the impact of this variant on protein structure and function (internally defined REVEL score threshold 0.5 < inconclusive < 0.7, PMID: 27666373). To our knowledge, functional studies have not been reported for this variant. This variant has been reported in an individual affected with pancreatic cancer and prostate cancer (PMID: 34034685). This variant has been identified in 11/271888 chromosomes in the general population by the Genome Aggregation Database (gnomAD). The available evidence is insufficient to determine the role of this variant in disease conclusively. Therefore, this variant is classified as a Variant of Uncertain Significance.

This study involves interpretation of variants in research participants for the purpose of population health screening. Participant phenotype was not available at the time of variant classification. Additional details can be found in publication PMID: 35346344, PMCID: PMC8962531

Baylor Genetics
Classification: Uncertain significance for Familial adenomatous polyposis 2. Last evaluated: 2024-03-21. Review status: criteria provided, single submitter. Criteria: ACMG Guidelines, 2015. Collection method: clinical testing. Allele origin: unknown.

St. Jude Molecular Pathology, St. Jude Children's Research Hospital
Classification: Uncertain significance for Familial adenomatous polyposis 2. Last evaluated: 2023-03-27. Review status: criteria provided, single submitter. Criteria: St. Jude Assertion Criteria 2020. Collection method: clinical testing. Allele origin: germline.
Comment: The MUTYH c.1483C>T (p.Arg495Cys) missense change has a maximum subpopulation frequency of 0.010% in gnomAD v2.1.1. The in silico tool REVEL predicts a deleterious effect on protein function, but to our knowledge this prediction has not been confirmed by functional studies. This variant has been reported in an individual with a personal history of pancreatic and prostate cancers and a family history of breast cancer (PMID: 34034685). To our knowledge, this variant has not been reported in individuals with MUTYH-associated polyposis. In summary, the evidence currently available is insufficient to determine the clinical significance of this variant. It has therefore been classified as of uncertain significance.

ARUP Laboratories, Molecular Genetics and Genomics, ARUP Laboratories
Classification: Uncertain significance. Last evaluated: 2019-06-26. Review status: criteria provided, single submitter. Criteria: ARUP Molecular Germline Variant Investigation Process. Collection method: clinical testing. Allele origin: germline.
Comment: The MUTYH c.1483C>T; p.Arg495Cys variant (rs587781668), to our knowledge, is not reported in the medical literature but is reported as uncertain significance in the ClinVar database (Variation ID: 141339). This variant is found in the general population with an overall allele frequency of 0.004% (11/271,888 alleles with 1 homozygote) in the Genome Aggregation Database. The arginine at codon 495 is moderately conserved, but computational analyses (SIFT: Damaging, PolyPhen-2: Benign) predict conflicting effects of this variant on protein structure/function. Due to limited information, the clinical significance of this variant is uncertain at this time.

Literature cited by the submitters: PubMed 34034685 (cited by 4 submitters).